The following is an entry in ClinVar:

NM_003126.4(SPTA1):c.7195C>T (p.Arg2399Trp)

Genes: OR10Z1 (olfactory receptor family 10 subfamily Z member 1; plus strand), SPTA1 (spectrin alpha, erythrocytic 1; minus strand). Cytogenetic location: 1q23.1.
Variant type: single nucleotide variant.
Coding change: c.7195C>T on transcript NM_003126.4 (MANE Select); coding-DNA position 7195, C replaced by T.
Protein change: p.Arg2399Trp; replaces arginine 2399 with tryptophan.
Molecular consequence: missense variant. On other transcripts: 3 prime UTR variant (1).
Genome position (GRCh38, 1-based): chr1:158,611,329, G>A on the plus strand (C>T on the coding strand, the complement: SPTA1 is on the minus strand). VCF-style: chr1-158611329-G-A. GRCh37 (hg19) VCF-style: chr1-158581119-G-A.
Other names: c.*3949G>A (NM_001004478.2); short protein forms R2399W.
Identifiers: ClinVar variation 4174215 (VCV004174215.2).

ClinVar aggregate classification (germline): Uncertain significance. Review status: criteria provided, multiple submitters, no conflicts (2 of 4 stars). 2 submissions from 2 submitters: Uncertain significance (2). Last evaluated 2025-08-06.

gnomAD v4.1: 15 of 1,613,786 alleles (0.00093%); highest among the groups gnomAD compares: East Asian, 0.0022%; no homozygotes.

Submissions (2):

Ambry Genetics
Classification: Uncertain significance. Last evaluated: 2025-08-06. Review status: criteria provided, single submitter. Criteria: Ambry Variant Classification Scheme 2023. Collection method: clinical testing. Allele origin: germline.

Labcorp Genetics (formerly Invitae), Labcorp
Classification: Uncertain significance. Last evaluated: 2025-06-06. Review status: criteria provided, single submitter. Criteria: Invitae Variant Classification Sherloc (09022015). Collection method: clinical testing. Allele origin: germline.
Comment: This sequence change replaces arginine, which is basic and polar, with tryptophan, which is neutral and slightly polar, at codon 2399 of the SPTA1 protein (p.Arg2399Trp). This variant is present in population databases (rs768957511, gnomAD 0.003%). This variant has not been reported in the literature in individuals affected with SPTA1-related conditions. Invitae Evidence Modeling of protein sequence and biophysical properties (such as structural, functional, and spatial information, amino acid conservation, physicochemical variation, residue mobility, and thermodynamic stability) indicates that this missense variant is not expected to disrupt SPTA1 protein function with a negative predictive value of 80%. In summary, the available evidence is currently insufficient to determine the role of this variant in disease. Therefore, it has been classified as a Variant of Uncertain Significance.